The following is an entry in ClinVar:

ClinVar aggregate classification (germline): Uncertain significance. Review status: criteria provided, multiple submitters, no conflicts (2 of 4 stars). 2 submissions from 2 submitters: Uncertain significance (2). Last evaluated 2026-01-18.

Conditions:
Dystonic disorder. Also called: Dystonia. Identifiers: MedGen C0013421, MONDO:0003441, HP:0001332.

Allele frequency attached by ClinVar (database versions not stated): gnomAD 0.00002; gnomAD exomes 0.00002; TOPMed 0.00003; ExAC 0.00005; 1000 Genomes Project 0.00020; 1000 Genomes Project 30x 0.00031.

Submissions (2):

Labcorp Genetics (formerly Invitae), Labcorp
Classification: Uncertain significance for Dystonic disorder. Last evaluated: 2026-01-18. Review status: criteria provided, single submitter. Criteria: Invitae Variant Classification Sherloc (09022015). Collection method: clinical testing. Allele origin: germline.
Comment: This sequence change replaces serine, which is neutral and polar, with leucine, which is neutral and non-polar, at codon 779 of the CIZ1 protein (p.Ser779Leu). This variant is present in population databases (rs200395357, gnomAD 0.05%), and has an allele count higher than expected for a pathogenic variant. This variant has not been reported in the literature in individuals affected with CIZ1-related conditions. ClinVar contains an entry for this variant (Variation ID: 2202784). An algorithm developed to predict the effect of missense changes on protein structure and function outputs the following: PolyPhen-2: "Benign". The leucine amino acid residue is found in multiple mammalian species, which suggests that this missense change does not adversely affect protein function. In summary, the available evidence is currently insufficient to determine the role of this variant in disease. Therefore, it has been classified as a Variant of Uncertain Significance.

Ambry Genetics
Classification: Uncertain significance. Last evaluated: 2021-08-10. Review status: criteria provided, single submitter. Criteria: Ambry Variant Classification Scheme 2023. Collection method: clinical testing. Allele origin: germline.

NM_001131016.2(CIZ1):c.2336C>T (p.Ser779Leu)

Gene: CIZ1 (CDKN1A interacting zinc finger protein 1; minus strand). Cytogenetic location: 9q34.11.
Variant type: single nucleotide variant.
Coding change: c.2336C>T on transcript NM_001131016.2 (MANE Select); coding-DNA position 2336, C replaced by T.
Protein change: p.Ser779Leu; replaces serine 779 with leucine.
Molecular consequence: missense variant.
Genome position (GRCh38, 1-based): chr9:128,167,124, G>A on the plus strand (C>T on the coding strand, the complement: CIZ1 is on the minus strand). VCF-style: chr9-128167124-G-A. GRCh37 (hg19) VCF-style: chr9-130929403-G-A.
Other names: c.2168C>T, p.Ser723Leu (NM_001131015.2); c.2153C>T, p.Ser718Leu (NM_001131017.2); c.2096C>T, p.Ser699Leu (NM_001131018.2); c.2504C>T, p.Ser835Leu (NM_001257975.2); c.2033C>T, p.Ser678Leu (NM_001257976.2); c.2336C>T, p.Ser779Leu (NM_012127.3); c.2336C>T (NM_012127.2); short protein forms S718L, S779L, S835L, S699L, S678L, S723L.
Identifiers: ClinVar variation 2202784 (VCV002202784.5), dbSNP rs200395357, ClinGen allele CA5257035.
Genomic context (GRCh38, chr9:128,167,124, plus strand): 5'-CCTGCAGGTGGGCTCAGAGCTGGGGCCTTACCATATGCAGTATTGGGGCTGTAGGTCTCC[G>A]AGCCCTTCCACTCCTCTCTGGATATATCTCTGGACCTCACCTGAAAACATGCAAGTGTGG-3'
Protein context (NP_001124488.1, residues 769-789): RDISREEWKG[Ser779Leu]ETYSPNTAYG